The following is an entry in ClinVar:

NM_001287.6(CLCN7):c.1641C>T (p.Tyr547=)

Gene: CLCN7 (Cl-/H+ antiporter 7; minus strand). Cytogenetic location: 16p13.3.
Variant type: single nucleotide variant.
Coding change: c.1641C>T on transcript NM_001287.6 (MANE Select); coding-DNA position 1641, C replaced by T.
Protein change: p.Tyr547=; no amino-acid change (tyrosine 547 retained).
Molecular consequence: synonymous variant.
Genome position (GRCh38, 1-based): chr16:1,449,304, G>A on the plus strand (C>T on the coding strand, the complement: CLCN7 is on the minus strand). VCF-style: chr16-1449304-G-A. GRCh37 (hg19) VCF-style: chr16-1499305-G-A.
Other names: c.1569C>T, p.Tyr523= (NM_001114331.3); c.1641C>T (NM_001287.5).
Identifiers: ClinVar variation 1571555 (VCV001571555.10), dbSNP rs1287838939, ClinGen allele CA492917028.

ClinVar aggregate classification (germline): Likely benign. Review status: criteria provided, multiple submitters, no conflicts (2 of 4 stars). 3 submissions from 3 submitters: Likely benign (3). Last evaluated 2026-08-12.

Conditions:
CLCN7-related disorder. Also called: CLCN7-related condition.

Allele frequency attached by ClinVar (database versions not stated): gnomAD exomes 0.00002 and 0.00003; gnomAD 0.00003; TOPMed 0.00005.
gnomAD v4.1: 31 of 1,588,396 alleles (0.002%); highest among the groups gnomAD compares: Admixed American, 0.0053%; no homozygotes.

Submissions (3):

PreventionGenetics, part of Exact Sciences
Classification: Likely benign for CLCN7-related condition. Last evaluated: 2026-08-12. Review status: criteria provided, single submitter. Criteria: ACMG Guidelines, 2015. Collection method: clinical testing. Allele origin: germline.
Comment: This variant is classified as likely benign based on ACMG/AMP sequence variant interpretation guidelines (Richards et al. 2015 PMID: 25741868, with internal and published modifications).

Labcorp Genetics (formerly Invitae), Labcorp
Classification: Likely benign. Last evaluated: 2026-01-07. Review status: criteria provided, single submitter. Criteria: Invitae Variant Classification Sherloc (09022015). Collection method: clinical testing. Allele origin: germline.

Blueprint Genetics
Classification: Likely benign. Last evaluated: 2024-10-11. Review status: criteria provided, single submitter. Criteria: ACMG Guidelines, 2015. Collection method: clinical testing. Allele origin: germline.